The following is an entry in ClinVar:

NM_053025.4(MYLK):c.3469A>T (p.Ile1157Phe)

Gene: MYLK (myosin light chain kinase; minus strand). Cytogenetic location: 3q21.1.
Variant type: single nucleotide variant.
Coding change: c.3469A>T on transcript NM_053025.4 (MANE Select); coding-DNA position 3469, A replaced by T.
Protein change: p.Ile1157Phe; replaces isoleucine 1157 with phenylalanine.
Molecular consequence: missense variant.
Genome position (GRCh38, 1-based): chr3:123,692,831, T>A on the plus strand (A>T on the coding strand, the complement: MYLK is on the minus strand). VCF-style: chr3-123692831-T-A. GRCh37 (hg19) VCF-style: chr3-123411678-T-A.
Other names: c.2941A>T, p.Ile981Phe (NM_001321309.2); c.3262A>T, p.Ile1088Phe (NM_053026.4, NM_053028.4); c.3469A>T, p.Ile1157Phe (NM_053027.4); short protein forms I1088F, I1157F, I981F.
Identifiers: ClinVar variation 3614375 (VCV003614375.2).

ClinVar aggregate classification (germline): Uncertain significance (1 of 4 stars; one submission).

Conditions:
Aortic aneurysm, familial thoracic 7 (AAT7). Also called: AORTIC DISSECTION, FAMILIAL, WITH OR WITHOUT AORTIC ANEURYSM. Identifiers: MedGen C3151077, MONDO:0013418, OMIM 613780.

Submission:

Labcorp Genetics (formerly Invitae), Labcorp
Classification: Uncertain significance for Aortic aneurysm, familial thoracic 7. Last evaluated: 2024-03-21. Review status: criteria provided, single submitter. Criteria: Invitae Variant Classification Sherloc (09022015). Collection method: clinical testing. Allele origin: germline.
Comment: This sequence change replaces isoleucine, which is neutral and non-polar, with phenylalanine, which is neutral and non-polar, at codon 1157 of the MYLK protein (p.Ile1157Phe). This variant is not present in population databases (gnomAD no frequency). This variant has not been reported in the literature in individuals affected with MYLK-related conditions. Advanced modeling of protein sequence and biophysical properties (such as structural, functional, and spatial information, amino acid conservation, physicochemical variation, residue mobility, and thermodynamic stability) performed at Invitae indicates that this missense variant is not expected to disrupt MYLK protein function with a negative predictive value of 80%. In summary, the available evidence is currently insufficient to determine the role of this variant in disease. Therefore, it has been classified as a Variant of Uncertain Significance.